The following is an entry in ClinVar:

NM_015443.4(KANSL1):c.2202C>G (p.Ala734=)

Gene: KANSL1 (KAT8 regulatory NSL complex subunit 1). Cytogenetic location: 17q21.31.
Variant type: single nucleotide variant.
Coding change: c.2202C>G on transcript NM_015443.4 (MANE Select); coding-DNA position 2202, C replaced by G.
Protein change: p.Ala734=; no amino-acid change (alanine 734 retained).
Molecular consequence: synonymous variant.
Genome position (GRCh38, 1-based): chr17:46,039,703, G>C on the plus strand (C>G on the coding strand, the complement: KANSL1 is on the minus strand). VCF-style: chr17-46039703-G-C. GRCh37 (hg19) VCF-style: chr17-44117069-G-C.
Other names: c.2202C>G, p.Ala734= (NM_001193465.2, NM_001193466.2, NM_001379198.1).
Identifiers: ClinVar variation 1391437 (VCV001391437.8), dbSNP rs1555734069, ClinGen allele CA500370028.

ClinVar aggregate classification (germline): Uncertain significance (1 of 4 stars; one submission).

Conditions:
Koolen-de Vries syndrome (KDVS). Identifiers: Orphanet 96169, MedGen C1864871, MONDO:0012496, OMIM 610443.

Allele frequency attached by ClinVar (database versions not stated): gnomAD exomes 0.00003.
gnomAD v4.1: 41 of 1,612,616 alleles (0.0025%); highest among the groups gnomAD compares: Non-Finnish European, 0.0034%; no homozygotes.

Submission:

Labcorp Genetics (formerly Invitae), Labcorp
Classification: Uncertain significance for Koolen-de Vries syndrome. Last evaluated: 2024-02-24. Review status: criteria provided, single submitter. Criteria: Invitae Variant Classification Sherloc (09022015). Collection method: clinical testing. Allele origin: germline.
Comment: This sequence change affects codon 734 of the KANSL1 mRNA. It is a 'silent' change, meaning that it does not change the encoded amino acid sequence of the KANSL1 protein. It affects a nucleotide within the consensus splice site. This variant is not present in population databases (gnomAD no frequency). This variant has not been reported in the literature in individuals affected with KANSL1-related conditions. ClinVar contains an entry for this variant (Variation ID: 1391437). Algorithms developed to predict the effect of sequence changes on RNA splicing suggest that this variant is not likely to affect RNA splicing. In summary, the available evidence is currently insufficient to determine the role of this variant in disease. Therefore, it has been classified as a Variant of Uncertain Significance.